The following is an entry in ClinVar:

NM_003289.4(TPM2):c.759C>T (p.Ile253=)

Gene: TPM2 (tropomyosin 2; minus strand). Cytogenetic location: 9p13.3.
Variant type: single nucleotide variant.
Coding change: c.759C>T on transcript NM_003289.4 (MANE Select); coding-DNA position 759, C replaced by T.
Protein change: p.Ile253=; no amino-acid change (isoleucine 253 retained).
Molecular consequence: synonymous variant.
Genome position (GRCh38, 1-based): chr9:35,684,259, G>A on the plus strand (C>T on the coding strand, the complement: TPM2 is on the minus strand). VCF-style: chr9-35684259-G-A. GRCh37 (hg19) VCF-style: chr9-35684256-G-A.
Other names: c.759C>T, p.Ile253= (NM_001301226.2, NM_001301227.2, NM_213674.1).
Identifiers: ClinVar variation 391927 (VCV000391927.9), dbSNP rs1057524292, ClinGen allele CA16606544.

ClinVar aggregate classification (germline): Likely benign. Review status: criteria provided, multiple submitters, no conflicts (2 of 4 stars). 2 submissions from 2 submitters: Likely benign (2). Last evaluated 2024-05-14.

Conditions:
Arthrogryposis, distal, type 1A. Also called: ARTHROGRYPOSIS MULTIPLEX CONGENITA, DISTAL, TYPE I. Identifiers: Orphanet 1146, MedGen C6022280, MONDO:0007157, OMIM 108120.

Allele frequency attached by ClinVar (database versions not stated): gnomAD exomes 0.00001; TOPMed 0.00002; gnomAD 0.00002.
gnomAD v4.1: 23 of 1,614,038 alleles (0.0014%); highest among the groups gnomAD compares: East Asian, 0.0067%; no homozygotes.

Submissions (2):

Labcorp Genetics (formerly Invitae), Labcorp
Classification: Likely benign for Arthrogryposis, distal, type 1A. Last evaluated: 2024-05-14. Review status: criteria provided, single submitter. Criteria: Invitae Variant Classification Sherloc (09022015). Collection method: clinical testing. Allele origin: germline.

GeneDx
Classification: Likely benign. Last evaluated: 2016-12-21. Review status: criteria provided, single submitter. Criteria: GeneDx Variant Classification (06012015). Collection method: clinical testing. Allele origin: germline. Affected: yes.
Comment: This variant is considered likely benign or benign based on one or more of the following criteria: it is a conservative change, it occurs at a poorly conserved position in the protein, it is predicted to be benign by multiple in silico algorithms, and/or has population frequency not consistent with disease.